The following is an entry in ClinVar:

NM_015450.3(POT1):c.130T>A (p.Cys44Ser)

Gene: POT1 (protection of telomeres 1; minus strand). Cytogenetic location: 7q31.33.
Variant type: single nucleotide variant.
Coding change: c.130T>A on transcript NM_015450.3 (MANE Select); coding-DNA position 130, T replaced by A.
Protein change: p.Cys44Ser; replaces cysteine 44 with serine.
Molecular consequence: missense variant. On other transcripts: non-coding transcript variant (3), intron variant (1).
Genome position (GRCh38, 1-based): chr7:124,871,036, A>T on the plus strand (T>A on the coding strand, the complement: POT1 is on the minus strand). VCF-style: chr7-124871036-A-T. GRCh37 (hg19) VCF-style: chr7-124511090-A-T.
Other names: c.-138-7396T>A (NM_001042594.2); short protein forms C44S.
Identifiers: ClinVar variation 1354126 (VCV001354126.8), dbSNP rs1795856016, ClinGen allele CA369061725.

ClinVar aggregate classification (germline): Uncertain significance (1 of 4 stars; one submission).

Conditions:
Tumor predisposition syndrome 3 (TPDS3). Also called: Melanoma, cutaneous malignant, susceptibility to, 10; Glioma susceptibility 9; LONG TELOMERE SYNDROME, POT1-RELATED; POT1 Tumor Predisposition. Identifiers: Orphanet 618, MedGen C4014476, MONDO:0014368, OMIM 615848.

Submission:

Labcorp Genetics (formerly Invitae), Labcorp
Classification: Uncertain significance for Tumor predisposition syndrome 3. Last evaluated: 2022-01-28. Review status: criteria provided, single submitter. Criteria: Invitae Variant Classification Sherloc (09022015). Collection method: clinical testing. Allele origin: germline.
Comment: In summary, the available evidence is currently insufficient to determine the role of this variant in disease. Therefore, it has been classified as a Variant of Uncertain Significance. Algorithms developed to predict the effect of missense changes on protein structure and function are either unavailable or do not agree on the potential impact of this missense change (SIFT: "Deleterious"; PolyPhen-2: "Probably Damaging"; Align-GVGD: "Class C0"). This variant has not been reported in the literature in individuals affected with POT1-related conditions. This variant is not present in population databases (gnomAD no frequency). This sequence change replaces cysteine, which is neutral and slightly polar, with serine, which is neutral and polar, at codon 44 of the POT1 protein (p.Cys44Ser).